The following is an entry in ClinVar:

ClinVar aggregate classification (germline): Conflicting classifications of pathogenicity. Review status: criteria provided, conflicting classifications (1 of 4 stars). 2 submissions from 2 submitters: Uncertain significance (1); Likely benign (1). Last evaluated 2023-12-22.

Conditions:
SBF1-related disorder. Also called: SBF1-related condition.

Submissions (2):

Labcorp Genetics (formerly Invitae), Labcorp
Classification: Likely benign. Last evaluated: 2023-12-22. Review status: criteria provided, single submitter. Criteria: Invitae Variant Classification Sherloc (09022015). Collection method: clinical testing. Allele origin: germline.

PreventionGenetics, part of Exact Sciences
Classification: Uncertain significance for SBF1-related condition. Last evaluated: 2022-11-16. Review status: criteria provided, single submitter. Criteria: ACMG Guidelines, 2015. Collection method: clinical testing. Allele origin: germline.
Comment: The SBF1 c.3689-9C>A variant is predicted to interfere with splicing. To our knowledge, this variant has not been reported in the literature or in a large population database, indicating this variant is rare. At this time, the clinical significance of this variant is uncertain due to the absence of conclusive functional and genetic evidence.

NM_002972.4(SBF1):c.3689-9C>A

Gene: SBF1 (SET binding factor 1; minus strand). Cytogenetic location: 22q13.33.
Variant type: single nucleotide variant.
Coding change: c.3689-9C>A on transcript NM_002972.4 (MANE Select); 9 bases into the intron before coding-DNA position 3689, C replaced by A.
Molecular consequence: intron variant.
Genome position (GRCh38, 1-based): chr22:50,459,401, G>T on the plus strand (C>A on the coding strand, the complement: SBF1 is on the minus strand). VCF-style: chr22-50459401-G-T. GRCh37 (hg19) VCF-style: chr22-50897830-G-T.
Other names: c.3689-9C>A (NM_001410795.1); c.3692-9C>A (NM_001365819.1, NM_001410794.1).
Identifiers: ClinVar variation 2635388 (VCV002635388.4), dbSNP rs2521902337, ClinGen allele CA2695200143.